The following is an entry in ClinVar:

NM_015338.6(ASXL1):c.3701A>C (p.Gln1234Pro)

Gene: ASXL1 (ASXL transcriptional regulator 1; plus strand). Cytogenetic location: 20q11.21.
Variant type: single nucleotide variant.
Coding change: c.3701A>C on transcript NM_015338.6 (MANE Select); coding-DNA position 3701, A replaced by C.
Protein change: p.Gln1234Pro; replaces glutamine 1234 with proline.
Molecular consequence: missense variant.
Genome position (GRCh38, 1-based): chr20:32,436,413, A>C. VCF-style: chr20-32436413-A-C. GRCh37 (hg19) VCF-style: chr20-31024216-A-C.
Other names: c.3518A>C, p.Gln1173Pro (NM_001363734.1); short protein forms Q1173P, Q1234P.
Identifiers: ClinVar variation 4587150 (VCV004587150.1).

ClinVar aggregate classification (germline): Uncertain significance (1 of 4 stars; one submission).

Conditions:
Inborn genetic diseases. Identifiers: MedGen C0950123, MeSH D030342.

Submission:

Ambry Genetics
Classification: Uncertain significance for Inborn genetic diseases. Last evaluated: 2025-09-17. Review status: criteria provided, single submitter. Criteria: Ambry Variant Classification Scheme 2023. Collection method: clinical testing. Allele origin: germline.
Comment: The p.Q1234P variant (also known as c.3701A>C), located in coding exon 13 of the ASXL1 gene, results from an A to C substitution at nucleotide position 3701. The glutamine at codon 1234 is replaced by proline, an amino acid with similar properties. This amino acid position is conserved. In addition, this alteration is predicted to be tolerated by in silico analysis. Based on the available evidence, the clinical significance of this variant remains unclear.